The following is an entry in ClinVar:

ClinVar aggregate classification (germline): Pathogenic (1 of 4 stars; one submission).

Conditions:
MIP-related disorder. Also called: MIP-related condition.

Submission:

PreventionGenetics, part of Exact Sciences
Classification: Pathogenic for MIP-related condition. Last evaluated: 2022-09-29. Review status: criteria provided, single submitter. Criteria: ACMG Guidelines, 2015. Collection method: clinical testing. Allele origin: germline.
Comment: The MIP c.605G>A variant is predicted to result in premature protein termination (p.Trp202*). This variant was reported in an individual with congenital cataract and strabismus (Patient 10, Reis et al 2013. PubMed ID: 23508780). This variant has not been reported in a large population database, indicating this variant is rare. Nonsense variants in MIP are expected to be pathogenic. This variant is interpreted as pathogenic.

NM_012064.4(MIP):c.605G>A (p.Trp202Ter)

Gene: MIP (major intrinsic protein of lens fiber; minus strand). Cytogenetic location: 12q13.3.
Variant type: single nucleotide variant.
Coding change: c.605G>A on transcript NM_012064.4 (MANE Select); coding-DNA position 605, G replaced by A.
Protein change: p.Trp202Ter; replaces tryptophan 202 with a stop codon.
Molecular consequence: nonsense.
Genome position (GRCh38, 1-based): chr12:56,453,073, C>T on the plus strand (G>A on the coding strand, the complement: MIP is on the minus strand). VCF-style: chr12-56453073-C-T. GRCh37 (hg19) VCF-style: chr12-56846857-C-T.
Other names: short protein forms W202*.
Identifiers: ClinVar variation 2629509 (VCV002629509.1), dbSNP rs2547312839, ClinGen allele CA385270311.